The following is an entry in ClinVar:

NM_014679.5(CEP57):c.548A>G (p.Gln183Arg)

Gene: CEP57 (centrosomal protein 57; plus strand). Cytogenetic location: 11q21.
Variant type: single nucleotide variant.
Coding change: c.548A>G on transcript NM_014679.5 (MANE Select); coding-DNA position 548, A replaced by G.
Protein change: p.Gln183Arg; replaces glutamine 183 with arginine.
Molecular consequence: missense variant. On other transcripts: intron variant (7).
Genome position (GRCh38, 1-based): chr11:95,817,830, A>G. VCF-style: chr11-95817830-A-G. GRCh37 (hg19) VCF-style: chr11-95550994-A-G.
Other names: c.521A>G, p.Gln174Arg (NM_001243776.2); c.548A>G, p.Gln183Arg (NM_001243777.2, NM_001440871.1, NM_001440874.1); c.467A>G, p.Gln156Arg (NM_001363604.2, NM_001440869.1, NM_001440870.1 and 1 more transcripts); c.368A>G, p.Gln123Arg (NM_001440873.1); c.287A>G, p.Gln96Arg (NM_001440880.1); c.424-997A>G (NM_001440877.1, NM_001440878.1); c.505-997A>G (NM_001440872.1, NM_001440876.1, NM_001440879.1 and 1 more transcripts); c.325-997A>G (NM_001440881.1); short protein forms Q123R, Q156R, Q174R, Q183R, Q96R.
Identifiers: ClinVar variation 4868755 (VCV004868755.1).

ClinVar aggregate classification (germline): Uncertain significance (1 of 4 stars; one submission).

Conditions:
Inborn genetic diseases. Identifiers: MedGen C0950123, MeSH D030342.

gnomAD v4.1: 2 of 1,614,060 alleles (0.00012%); highest among the groups gnomAD compares: Non-Finnish European, 0.00017%; no homozygotes.

Submission:

Ambry Genetics
Classification: Uncertain significance for Inborn genetic diseases. Last evaluated: 2026-04-12. Review status: criteria provided, single submitter. Criteria: Ambry Variant Classification Scheme 2023. Collection method: clinical testing. Allele origin: germline.
Comment: The p.Q183R variant (also known as c.548A>G), located in coding exon 5 of the CEP57 gene, results from an A to G substitution at nucleotide position 548. The glutamine at codon 183 is replaced by arginine, an amino acid with highly similar properties. This amino acid position is conserved. In addition, the in silico prediction for this alteration is inconclusive. Based on the available evidence, the clinical significance of this variant remains unclear.